The following is an entry in ClinVar:

NM_004380.3(CREBBP):c.2703G>A (p.Pro901=)

Gene: CREBBP (CREB binding lysine acetyltransferase; minus strand). Cytogenetic location: 16p13.3.
Variant type: single nucleotide variant.
Coding change: c.2703G>A on transcript NM_004380.3 (MANE Select); coding-DNA position 2703, G replaced by A.
Protein change: p.Pro901=; no amino-acid change (proline 901 retained).
Molecular consequence: synonymous variant.
Genome position (GRCh38, 1-based): chr16:3,770,747, C>T on the plus strand (G>A on the coding strand, the complement: CREBBP is on the minus strand). VCF-style: chr16-3770747-C-T. GRCh37 (hg19) VCF-style: chr16-3820748-C-T.
Other names: c.2589G>A, p.Pro863= (NM_001079846.1); c.2703G>A (NM_004380.2).
Identifiers: ClinVar variation 2140010 (VCV002140010.6), dbSNP rs746960824, ClinGen allele CA7870045.
Genomic context (GRCh38, chr16:3,770,747, plus strand): 5'-TGCTGCCTGGACTGTAGGGGTGCTCTGGGTTTGGGTAGCACTGGGCACTGAGCCAGGAGT[C>T]GGGGTGGGAGTCTGCCCGGAAGACGACACAGGAGTTGATGGCTGAGTGGGAGCTGCTGGC-3'
Protein context (NP_004371.2, residues 891-911): PVSSSGQTPT[Pro901=]TPGSVPSATQ

ClinVar aggregate classification (germline): Likely benign. Review status: criteria provided, multiple submitters, no conflicts (2 of 4 stars). 3 submissions from 3 submitters: Likely benign (3). Last evaluated 2026-09-11.

Conditions:
CREBBP-related disorder. Also called: CREBBP-related condition; CREBBP-related disorders.
Rubinstein-Taybi syndrome (RSTS). Identifiers: Orphanet 783, MedGen C0035934, MONDO:0019188.

Allele frequency attached by ClinVar (database versions not stated): gnomAD 0.00001; gnomAD exomes 0.00001; TOPMed 0.00001; ExAC 0.00001.
gnomAD v4.1: 8 of 1,613,814 alleles (0.0005%); highest among the groups gnomAD compares: East Asian, 0.013%; no homozygotes.

Submissions (3):

PreventionGenetics, part of Exact Sciences
Classification: Likely benign for CREBBP-related condition. Last evaluated: 2026-09-11. Review status: criteria provided, single submitter. Criteria: ACMG Guidelines, 2015. Collection method: clinical testing. Allele origin: germline.
Comment: This variant is classified as likely benign based on ACMG/AMP sequence variant interpretation guidelines (Richards et al. 2015 PMID: 25741868, with internal and published modifications).

Women's Health and Genetics/Laboratory Corporation of America, LabCorp
Classification: Likely benign. Last evaluated: 2025-10-02. Review status: criteria provided, single submitter. Criteria: LabCorp Variant Classification Summary - May 2015. Collection method: clinical testing. Allele origin: germline.

Labcorp Genetics (formerly Invitae), Labcorp
Classification: Likely benign for Rubinstein-Taybi syndrome. Last evaluated: 2024-04-22. Review status: criteria provided, single submitter. Criteria: Invitae Variant Classification Sherloc (09022015). Collection method: clinical testing. Allele origin: germline.